The following is an entry in ClinVar:

ClinVar aggregate classification (germline): Uncertain significance. Review status: criteria provided, multiple submitters, no conflicts (2 of 4 stars). 2 submissions from 2 submitters: Uncertain significance (2). Last evaluated 2025-10-30.

Conditions:
Inborn genetic diseases. Identifiers: MedGen C0950123, MeSH D030342.

Submissions (2):

Ambry Genetics
Classification: Uncertain significance for Inborn genetic diseases. Last evaluated: 2025-10-30. Review status: criteria provided, single submitter. Criteria: Ambry Variant Classification Scheme 2023. Collection method: clinical testing. Allele origin: germline.
Comment: The c.4007T>C (p.M1336T) alteration is located in exon 23 (coding exon 21) of the SCN3A gene. This alteration results from a T to C substitution at nucleotide position 4007, causing the methionine (M) at amino acid position 1336 to be replaced by a threonine (T). This variant was not reported in population-based cohorts in the Genome Aggregation Database (gnomAD). This amino acid position is highly conserved in available vertebrate species. This alteration is predicted to be deleterious by in silico analysis. Based on insufficient or conflicting evidence, the clinical significance of this alteration remains unclear.

Labcorp Genetics (formerly Invitae), Labcorp
Classification: Uncertain significance. Last evaluated: 2024-11-13. Review status: criteria provided, single submitter. Criteria: Invitae Variant Classification Sherloc (09022015). Collection method: clinical testing. Allele origin: germline.
Comment: This sequence change replaces methionine, which is neutral and non-polar, with threonine, which is neutral and polar, at codon 1336 of the SCN3A protein (p.Met1336Thr). This variant is not present in population databases (gnomAD no frequency). This variant has not been reported in the literature in individuals affected with SCN3A-related conditions. Invitae Evidence Modeling of protein sequence and biophysical properties (such as structural, functional, and spatial information, amino acid conservation, physicochemical variation, residue mobility, and thermodynamic stability) has been performed for this missense variant. However, the output from this modeling did not meet the statistical confidence thresholds required to predict the impact of this variant on SCN3A protein function. In summary, the available evidence is currently insufficient to determine the role of this variant in disease. Therefore, it has been classified as a Variant of Uncertain Significance.

NM_006922.4(SCN3A):c.4007T>C (p.Met1336Thr)

Gene: SCN3A (sodium voltage-gated channel alpha subunit 3; minus strand). Cytogenetic location: 2q24.3.
Variant type: single nucleotide variant.
Coding change: c.4007T>C on transcript NM_006922.4 (MANE Select); coding-DNA position 4007, T replaced by C.
Protein change: p.Met1336Thr; replaces methionine 1336 with threonine.
Molecular consequence: missense variant.
Genome position (GRCh38, 1-based): chr2:165,097,484, A>G on the plus strand (T>C on the coding strand, the complement: SCN3A is on the minus strand). VCF-style: chr2-165097484-A-G. GRCh37 (hg19) VCF-style: chr2-165953994-A-G.
Other names: c.4007T>C (NM_006922.3); c.3860T>C, p.Met1287Thr (NM_001081676.2, NM_001081677.2); short protein forms M1287T, M1336T.
Identifiers: ClinVar variation 3718238 (VCV003718238.3).